The following is an entry in ClinVar:

NM_000368.5(TSC1):c.2268dup (p.Glu757fs)

Gene: TSC1 (TSC complex subunit 1; minus strand). Cytogenetic location: 9q34.13.
Variant type: Duplication.
Coding change: c.2268dup on transcript NM_000368.5 (MANE Select); coding-DNA position 2268, one base duplicated (A; older notation c.2268dupA).
Protein change: p.Glu757fs; shifts the reading frame from glutamic acid 757.
Molecular consequence: frameshift variant.
Genome position (GRCh38, 1-based): chr9:132,902,728, T duplicated on the plus strand (A on the coding strand, the reverse complement: TSC1 is on the minus strand); the first of 3 consecutive T bases (chr9:132,902,728-132,902,730); duplicating any one gives the same sequence. VCF-style (leftmost placement, unchanged base first): chr9-132902727-C-CT. GRCh37 (hg19) VCF-style: chr9-135778114-C-CT.
Other names: c.2265dup, p.Glu756fs (NM_001162426.2); c.2115dup, p.Glu706fs (NM_001162427.2); c.1905dup, p.Glu636fs (NM_001362177.2); c.2266dup, p.Glu757Argfs (NM_001406592.1, NM_001406593.1, NM_001406594.1 and 5 more transcripts); c.2263dup, p.Glu756Argfs (NM_001406597.1, NM_001406598.1, NM_001406599.1 and 3 more transcripts); c.2251dup, p.Glu752Argfs (NM_001406601.1, NM_001406602.1); c.2248dup, p.Glu751Argfs (NM_001406603.1, NM_001406604.1); c.2113dup, p.Glu706Argfs (NM_001406610.1); and 6 more; short protein forms E636fs, E706fs, E756fs, E757fs.
Identifiers: ClinVar variation 1879745 (VCV001879745.29), dbSNP rs2538620966, ClinGen allele CA2580080145.

ClinVar aggregate classification (germline): Pathogenic (1 of 4 stars; one submission).

Submission:

CeGaT Center for Human Genetics Tuebingen
Classification: Pathogenic. Last evaluated: 2022-10-01. Review status: criteria provided, single submitter. Criteria: CeGaT Center For Human Genetics Tuebingen Variant Classification Criteria Version 2. Collection method: clinical testing. Allele origin: germline. Affected: yes. Observed: 1 variant allele.
Comment: TSC1: PVS1, PM2